The following is an entry in ClinVar:

ClinVar aggregate classification (germline): Pathogenic (1 of 4 stars; one submission).

Conditions:
Pitt-Hopkins-like syndrome 2 (PTHSL2). Identifiers: Orphanet 221150, Orphanet 600663, MedGen C3280479, MONDO:0013690, OMIM 614325.

Submission:

Women's Health and Genetics/Laboratory Corporation of America, LabCorp
Classification: Pathogenic for Pitt-Hopkins-like syndrome 2. Last evaluated: 2023-11-02. Review status: criteria provided, single submitter. Criteria: LabCorp Variant Classification Summary - May 2015. Collection method: clinical testing. Allele origin: germline.
Comment: Variant summary: NRXN1 c.3338delA (p.Asn1113ThrfsX39) results in a premature termination codon, predicted to cause absence of the protein due to nonsense mediated decay, which is a commonly known mechanism for disease. The variant was absent in 246452 control chromosomes (gnomAD). To our knowledge, no occurrence of c.3338delA in individuals affected with Pitt-Hopkins-Like Syndrome 2 and no experimental evidence demonstrating its impact on protein function have been reported. No submitters have cited clinical-significance assessments for this variant to ClinVar after 2014. Based on the evidence outlined above, the variant was classified as pathogenic.

NM_001330078.2(NRXN1):c.3218del (p.Asn1073fs)

Gene: NRXN1 (neurexin 1; minus strand). Cytogenetic location: 2p16.3.
Variant type: Deletion.
Coding change: c.3218del on transcript NM_001330078.2 (MANE Select); coding-DNA position 3218, one base deleted (A; older notation c.3218delA).
Protein change: p.Asn1073fs; shifts the reading frame from asparagine 1073.
Molecular consequence: frameshift variant.
Genome position (GRCh38, 1-based): chr2:50,472,324, T deleted on the plus strand (A on the coding strand, the reverse complement: NRXN1 is on the minus strand); the first of 2 consecutive T bases (chr2:50,472,324-50,472,325); deleting either gives the same sequence. VCF-style (leftmost placement, unchanged base first): chr2-50472323-GT-G. GRCh37 (hg19) VCF-style: chr2-50699461-GT-G.
Other names: c.3338del, p.Asn1113fs (NM_001135659.3); c.3194del, p.Asn1065fs (NM_001330077.2, NM_001330082.2); c.3152del, p.Asn1051fs (NM_001330083.2, NM_001330084.2); c.3191del, p.Asn1064fs (NM_001330085.2); c.3218del, p.Asn1073fs (NM_001330086.2, NM_004801.6); c.3107del, p.Asn1036fs (NM_001330087.2, NM_001330096.2); c.3137del, p.Asn1046fs (NM_001330088.2); c.3215del, p.Asn1072fs (NM_001330093.2); and 3 more; short protein forms N1036fs, N1046fs, N1051fs, N1056fs, N1064fs, N1065fs, N1069fs, N1072fs.
Identifiers: ClinVar variation 2682522 (VCV002682522.1), dbSNP rs2468654831, ClinGen allele CA2697548157.
Genomic context (GRCh38, chr2:50,472,323, plus strand): 5'-GAATTATTTAGAGCATGATGACAAAAATCTAATACCTTCACATCCTCTCTCGATCTGTCC[GT>G]TGCAGAAAAGAGCATCGGAGATGAGGTCCGGAAGCCGTCCATTTAAATCAACTGATGCCA-3'